The following is an entry in ClinVar:

NM_015937.6(PIGT):c.550G>A (p.Glu184Lys)

Gene: PIGT (phosphatidylinositol glycan anchor biosynthesis class T; plus strand). Cytogenetic location: 20q13.12.
Variant type: single nucleotide variant.
Coding change: c.550G>A on transcript NM_015937.6 (MANE Select); coding-DNA position 550, G replaced by A.
Protein change: p.Glu184Lys; replaces glutamic acid 184 with lysine.
Molecular consequence: missense variant. On other transcripts: non-coding transcript variant (3).
Genome position (GRCh38, 1-based): chr20:45,419,351, G>A. VCF-style: chr20-45419351-G-A. GRCh37 (hg19) VCF-style: chr20-44047991-G-A.
Other names: c.382G>A, p.Glu128Lys (NM_001184728.3); c.550G>A, p.Glu184Lys (NM_001184729.3); c.244G>A, p.Glu82Lys (NM_001184730.3); short protein forms E184K, E82K, E128K.
Identifiers: ClinVar variation 547166 (VCV000547166.5), dbSNP rs774753616, ClinGen allele CA9877930.

ClinVar aggregate classification (germline): Conflicting classifications of pathogenicity. Review status: criteria provided, conflicting classifications (1 of 4 stars). 3 submissions from 3 submitters: Likely pathogenic (2); Uncertain significance (1). Last evaluated 2024-12-24.

Conditions:
Multiple congenital anomalies-hypotonia-seizures syndrome 3 (MCAHS3). Also called: GLYCOSYLPHOSPHATIDYLINOSITOL BIOSYNTHESIS DEFECT 7. Identifiers: Orphanet 369837, MedGen C3809356, MONDO:0014165, OMIM 615398.

Allele frequency attached by ClinVar (database versions not stated): gnomAD 0.00001; gnomAD exomes 0.00001; ExAC 0.00002; TOPMed 0.00002.
gnomAD v4.1: 7 of 1,613,982 alleles (0.00043%); highest among the groups gnomAD compares: South Asian, 0.0022%; no homozygotes.

Submissions (3):

Revvity Omics, Revvity
Classification: Uncertain significance. Last evaluated: 2024-12-24. Review status: criteria provided, single submitter. Criteria: ACMG Guidelines, 2015. Collection method: clinical testing. Allele origin: germline.

Labcorp Genetics (formerly Invitae), Labcorp
Classification: Likely pathogenic for Multiple congenital anomalies-hypotonia-seizures syndrome 3. Last evaluated: 2024-11-16. Review status: criteria provided, single submitter. Criteria: Invitae Variant Classification Sherloc (09022015). Collection method: clinical testing. Allele origin: germline.
Comment: This sequence change replaces glutamic acid, which is acidic and polar, with lysine, which is basic and polar, at codon 184 of the PIGT protein (p.Glu184Lys). This variant is present in population databases (rs774753616, gnomAD 0.007%). This missense change has been observed in individuals with clinical features of PIGT-related conditions (PMID: 29868109, 30049826, 30976099, 31130284). This variant is also known as NM_001184730.2:c.244G>A:p.Glu82Lys. ClinVar contains an entry for this variant (Variation ID: 547166). Invitae Evidence Modeling of protein sequence and biophysical properties (such as structural, functional, and spatial information, amino acid conservation, physicochemical variation, residue mobility, and thermodynamic stability) indicates that this missense variant is expected to disrupt PIGT protein function with a positive predictive value of 95%. In summary, the currently available evidence indicates that the variant is pathogenic, but additional data are needed to prove that conclusively. Therefore, this variant has been classified as Likely Pathogenic.

Centre for Translational Omics - GOSgene, University College London
Classification: Likely pathogenic for Multiple congenital anomalies-hypotonia-seizures syndrome 3. Last evaluated: 2018-03-16. Review status: criteria provided, single submitter. Criteria: ACMG Guidelines, 2015. Collection method: clinical testing. Allele origin: inherited. Affected: yes.

Literature cited by the submitters: PubMed 29868109 (cited by Labcorp Genetics (formerly Invitae), Labcorp); PubMed 30049826 (cited by Labcorp Genetics (formerly Invitae), Labcorp); PubMed 30976099 (cited by Labcorp Genetics (formerly Invitae), Labcorp); PubMed 31130284 (cited by Labcorp Genetics (formerly Invitae), Labcorp).